The following is an entry in ClinVar:

ClinVar aggregate classification (germline): Benign/Likely benign. Review status: criteria provided, multiple submitters, no conflicts (2 of 4 stars). 4 submissions from 4 submitters: Benign (3); Likely benign (1). Last evaluated 2026-01-21.

Allele frequency attached by ClinVar (database versions not stated): 1000 Genomes Project 30x 0.11399; gnomAD exomes 0.09988 and 0.10122; ExAC 0.10201; gnomAD 0.10806 and 0.10810; ESP Exome Variant Server 0.10895; TOPMed 0.11066; 1000 Genomes Project 0.11202.
gnomAD v4.1: 162,578 of 1,613,624 alleles (10%); highest among the groups gnomAD compares: East Asian, 14%; 8,601 homozygotes.

Submissions (4):

Women's Health and Genetics/Laboratory Corporation of America, LabCorp
Classification: Benign. Last evaluated: 2026-01-21. Review status: criteria provided, single submitter. Criteria: LabCorp Variant Classification Summary - May 2015. Collection method: clinical testing. Allele origin: germline.

Blueprint Genetics
Classification: Likely benign. Last evaluated: 2024-11-26. Review status: criteria provided, single submitter. Criteria: ACMG Guidelines, 2015. Collection method: clinical testing. Allele origin: germline.

Laboratory for Molecular Medicine, Mass General Brigham Personalized Medicine
Classification: Benign. Last evaluated: 2016-03-28. Review status: criteria provided, single submitter. Criteria: LMM Criteria. Collection method: clinical testing. Allele origin: germline.
Comment: Variant identified in a genome or exome case(s) and assessed due to predicted null impact of the variant or pathogenic assertions in the literature or databases. Disclaimer: This variant has not undergone full assessment. The following are preliminary notes: Frequency

Breakthrough Genomics
Classification: Benign. Review status: criteria provided, single submitter. Criteria: ACMG Guidelines, 2015. Collection method: not provided. Allele origin: germline. Inheritance: Autosomal recessive inheritance. Affected: yes.

NM_000065.5(C6):c.-12G>A

Gene: C6 (complement C6; minus strand). Cytogenetic location: 5p13.1.
Variant type: single nucleotide variant.
Coding change: c.-12G>A on transcript NM_000065.5 (MANE Select); 12 bases upstream of the start codon, G replaced by A.
Molecular consequence: 5 prime UTR variant.
Genome position (GRCh38, 1-based): chr5:41,203,242, C>T on the plus strand (G>A on the coding strand, the complement: C6 is on the minus strand). VCF-style: chr5-41203242-C-T. GRCh37 (hg19) VCF-style: chr5-41203344-C-T.
Other names: c.-12G>A (NM_001115131.4).
Identifiers: ClinVar variation 402459 (VCV000402459.7), dbSNP rs2305060, ClinGen allele CA3252924.